The following is an entry in ClinVar:

NM_018060.4(IARS2):c.2191C>T (p.Arg731Cys)

Gene: IARS2 (isoleucyl-tRNA synthetase 2, mitochondrial; plus strand). Cytogenetic location: 1q41.
Variant type: single nucleotide variant.
Coding change: c.2191C>T on transcript NM_018060.4 (MANE Select); coding-DNA position 2191, C replaced by T.
Protein change: p.Arg731Cys; replaces arginine 731 with cysteine.
Molecular consequence: missense variant.
Genome position (GRCh38, 1-based): chr1:220,139,023, C>T. VCF-style: chr1-220139023-C-T. GRCh37 (hg19) VCF-style: chr1-220312365-C-T.
Other names: c.2191C>T (NM_018060.3); short protein forms R731C.
Identifiers: ClinVar variation 1935709 (VCV001935709.6), dbSNP rs778503863, ClinGen allele CA344614687.

ClinVar aggregate classification (germline): Uncertain significance. Review status: criteria provided, multiple submitters, no conflicts (2 of 4 stars). 2 submissions from 2 submitters: Uncertain significance (2). Last evaluated 2025-06-24.

Conditions:
Inborn genetic diseases. Identifiers: MedGen C0950123, MeSH D030342.

Allele frequency attached by ClinVar (database versions not stated): gnomAD 0.00001; TOPMed 0.00002.
gnomAD v4.1: 10 of 1,613,136 alleles (0.00062%); highest among the groups gnomAD compares: African/African-American, 0.0027%; no homozygotes.

Submissions (2):

Ambry Genetics
Classification: Uncertain significance for Inborn genetic diseases. Last evaluated: 2025-06-24. Review status: criteria provided, single submitter. Criteria: Ambry Variant Classification Scheme 2023. Collection method: clinical testing. Allele origin: germline.

Labcorp Genetics (formerly Invitae), Labcorp
Classification: Uncertain significance. Last evaluated: 2024-12-02. Review status: criteria provided, single submitter. Criteria: Invitae Variant Classification Sherloc (09022015). Collection method: clinical testing. Allele origin: germline.
Comment: This sequence change replaces arginine, which is basic and polar, with cysteine, which is neutral and slightly polar, at codon 731 of the IARS2 protein (p.Arg731Cys). This variant is not present in population databases (gnomAD no frequency). This variant has not been reported in the literature in individuals affected with IARS2-related conditions. ClinVar contains an entry for this variant (Variation ID: 1935709). An algorithm developed to predict the effect of missense changes on protein structure and function (PolyPhen-2) suggests that this variant is likely to be disruptive. In summary, the available evidence is currently insufficient to determine the role of this variant in disease. Therefore, it has been classified as a Variant of Uncertain Significance.